The following is an entry in ClinVar:

NM_201384.3(PLEC):c.4658G>A (p.Arg1553Gln)

Gene: PLEC (plectin; minus strand). Cytogenetic location: 8q24.3.
Variant type: single nucleotide variant.
Coding change: c.4658G>A on transcript NM_201384.3 (MANE Select); coding-DNA position 4658, G replaced by A.
Protein change: p.Arg1553Gln; replaces arginine 1553 with glutamine.
Molecular consequence: missense variant.
Genome position (GRCh38, 1-based): chr8:143,925,271, C>T on the plus strand (G>A on the coding strand, the complement: PLEC is on the minus strand). VCF-style: chr8-143925271-C-T. GRCh37 (hg19) VCF-style: chr8-144999439-C-T.
Other names: c.4739G>A (NM_000445.3); c.4739G>A, p.Arg1580Gln (NM_000445.5); c.4616G>A, p.Arg1539Gln (NM_201378.4); c.4592G>A, p.Arg1531Gln (NM_201379.3); c.5069G>A, p.Arg1690Gln (NM_201380.4); c.4562G>A, p.Arg1521Gln (NM_201381.3); c.4658G>A, p.Arg1553Gln (NM_201382.4); c.4670G>A, p.Arg1557Gln (NM_201383.3); short protein forms R1531Q, R1580Q, R1557Q, R1521Q, R1553Q, R1690Q, R1539Q.
Identifiers: ClinVar variation 538983 (VCV000538983.12), dbSNP rs782744995, ClinGen allele CA4926590.

ClinVar aggregate classification (germline): Uncertain significance. Review status: criteria provided, multiple submitters, no conflicts (2 of 4 stars). 4 submissions from 4 submitters: Uncertain significance (4). Last evaluated 2025-12-11.

Conditions:
PLEC-related disorder. Also called: PLEC-related disorders; PLEC-related condition.
Epidermolysis bullosa simplex, Ogna type (EBS5A). Also called: Pidermolysis bullosa simplex 5A, Ogna type; EPIDERMOLYSIS BULLOSA SIMPLEX 5A, OGNA TYPE. Identifiers: Orphanet 79401, MedGen C0432317, MONDO:0007555, OMIM 131950.
Epidermolysis bullosa simplex 5B, with muscular dystrophy (EBS5B). Also called: Epidermolysis bullosa simplex with muscular dystrophy; EPIDERMOLYSIS BULLOSA SIMPLEX AND LIMB-GIRDLE MUSCULAR DYSTROPHY. Identifiers: Orphanet 257, MedGen C2931072, MONDO:0009181, OMIM 226670.
Epidermolysis bullosa simplex with nail dystrophy (EBS5D). Identifiers: MedGen C4225309, MONDO:0014661, OMIM 616487.
Autosomal recessive limb-girdle muscular dystrophy type 2Q (LGMDR17). Also called: MUSCULAR DYSTROPHY, LIMB-GIRDLE, AUTOSOMAL RECESSIVE 17. Identifiers: Orphanet 254361, MedGen C3150989, MONDO:0013390, OMIM 613723.
Epidermolysis bullosa simplex 5C, with pyloric atresia (EBS5C). Also called: PLEC-Related Epidermolysis Bullosa with Pyloric Atresia; Epidermolysis bullosa simplex with pyloric atresia; PLEC1-Related Epidermolysis Bullosa with Pyloric Atresia. Identifiers: Orphanet 158684, MedGen C2677349, MONDO:0012807, OMIM 612138.
Inborn genetic diseases. Identifiers: MedGen C0950123, MeSH D030342.

Allele frequency attached by ClinVar (database versions not stated): ExAC 0.00003; gnomAD exomes 0.00004; TOPMed 0.00005; gnomAD 0.00006 and 0.00007; 1000 Genomes Project 30x 0.00016.
gnomAD v4.1: 49 of 1,581,720 alleles (0.0031%); highest among the groups gnomAD compares: African/African-American, 0.012%; no homozygotes.

Submissions (4):

PreventionGenetics, part of Exact Sciences
Classification: Uncertain significance for PLEC-related condition. Last evaluated: 2025-12-11. Review status: criteria provided, single submitter. Criteria: ACMG Guidelines, 2015. Collection method: clinical testing. Allele origin: germline.
Comment: The PLEC c.4739G>A variant is predicted to result in the amino acid substitution p.Arg1580Gln. To our knowledge, this variant has not been reported in the literature. This variant is reported in 0.017% of alleles in individuals of East Asian descent in gnomAD. At this time, the clinical significance of this variant is uncertain due to the absence of conclusive functional and genetic evidence.

Labcorp Genetics (formerly Invitae), Labcorp
Classification: Uncertain significance for Autosomal recessive limb-girdle muscular dystrophy type 2Q; Epidermolysis bullosa simplex, Ogna type; Epidermolysis bullosa simplex with nail dystrophy; Epidermolysis bullosa simplex 5C, with pyloric atresia; Epidermolysis bullosa simplex 5B, with muscular dystrophy. Last evaluated: 2025-10-02. Review status: criteria provided, single submitter. Criteria: Invitae Variant Classification Sherloc (09022015). Collection method: clinical testing. Allele origin: germline.
Comment: This sequence change replaces arginine, which is basic and polar, with glutamine, which is neutral and polar, at codon 1580 of the PLEC protein (p.Arg1580Gln). This variant is present in population databases (rs782744995, gnomAD 0.02%). This variant has not been reported in the literature in individuals affected with PLEC-related conditions. ClinVar contains an entry for this variant (Variation ID: 538983). Experimental studies and prediction algorithms are not available or were not evaluated, and the functional significance of this variant is currently unknown. In summary, the available evidence is currently insufficient to determine the role of this variant in disease. Therefore, it has been classified as a Variant of Uncertain Significance.

Ambry Genetics
Classification: Uncertain significance for Inborn genetic diseases. Last evaluated: 2024-07-02. Review status: criteria provided, single submitter. Criteria: Ambry Variant Classification Scheme 2023. Collection method: clinical testing. Allele origin: germline.

Revvity Omics, Revvity
Classification: Uncertain significance. Last evaluated: 2019-09-19. Review status: criteria provided, single submitter. Criteria: ACMG Guidelines, 2015. Collection method: clinical testing. Allele origin: germline.